The following is an entry in ClinVar:

NM_002473.6(MYH9):c.5877C>T (p.Ala1959=)

Gene: MYH9 (myosin heavy chain 9; minus strand). Cytogenetic location: 22q12.3.
Variant type: single nucleotide variant.
Coding change: c.5877C>T on transcript NM_002473.6 (MANE Select); coding-DNA position 5877, C replaced by T.
Protein change: p.Ala1959=; no amino-acid change (alanine 1959 retained).
Molecular consequence: synonymous variant.
Genome position (GRCh38, 1-based): chr22:36,282,674, G>A on the plus strand (C>T on the coding strand, the complement: MYH9 is on the minus strand). VCF-style: chr22-36282674-G-A. GRCh37 (hg19) VCF-style: chr22-36678720-G-A.
Identifiers: ClinVar variation 341490 (VCV000341490.19), dbSNP rs144179406, ClinGen allele CA10208883.

ClinVar aggregate classification (germline): Benign/Likely benign. Review status: criteria provided, multiple submitters, no conflicts (2 of 4 stars). 7 submissions from 6 submitters: Benign (2); Likely benign (5). Last evaluated 2025-11-09.

Conditions:
Autosomal dominant nonsyndromic hearing loss 17. Also called: Deafness, autosomal dominant 17; Autosomal dominant nonsyndromic deafness 17. Identifiers: Orphanet 90635, MedGen C1863659, MONDO:0011350, OMIM 603622.
MYH9-related disorder. Identifiers: MedGen C1854520.
Macrothrombocytopenia and granulocyte inclusions with or without nephritis or sensorineural hearing loss (MATINS). Also called: BLEEDING DISORDER, PLATELET-TYPE, 6; MAY-HEGGLIN ANOMALY; DOHLE LEUKOCYTE INCLUSIONS WITH GIANT PLATELETS; MACROTHROMBOCYTOPENIA WITH LEUKOCYTE INCLUSIONS; SEBASTIAN PLATELET SYNDROME; MACROTHROMBOCYTOPENIA WITH DISPERSED LEUKOCYTIC INCLUSIONS. Identifiers: Orphanet 182050, MedGen C5200934, MONDO:0015912, OMIM 155100.

Allele frequency attached by ClinVar (database versions not stated): gnomAD exomes 0.00020; ExAC 0.00023; gnomAD 0.00059 and 0.00066; 1000 Genomes Project 0.00060; 1000 Genomes Project 30x 0.00062; TOPMed 0.00066; ESP Exome Variant Server 0.00077.
gnomAD v4.1: 194 of 1,613,802 alleles (0.012%); highest among the groups gnomAD compares: African/African-American, 0.2%; 1 homozygote.

Submissions (7):

Labcorp Genetics (formerly Invitae), Labcorp
Classification: Benign. Last evaluated: 2025-11-09. Review status: criteria provided, single submitter. Criteria: Invitae Variant Classification Sherloc (09022015). Collection method: clinical testing. Allele origin: germline.

Blueprint Genetics
Classification: Likely benign. Last evaluated: 2024-03-28. Review status: criteria provided, single submitter. Criteria: ACMG Guidelines, 2015. Collection method: clinical testing. Allele origin: germline.

Fulgent Genetics
Classification: Likely benign for Macrothrombocytopenia and granulocyte inclusions with or without nephritis or sensorineural hearing loss; Autosomal dominant nonsyndromic hearing loss 17. Last evaluated: 2021-08-26. Review status: criteria provided, single submitter. Criteria: ACMG Guidelines, 2015. Collection method: clinical testing. Allele origin: unknown.

GeneDx
Classification: Likely benign. Last evaluated: 2021-03-01. Review status: criteria provided, single submitter. Criteria: GeneDx Variant Classification Process June 2021. Collection method: clinical testing. Allele origin: germline. Affected: yes.

Illumina Laboratory Services, Illumina
Classification: Benign for MYH9-related disorder. Last evaluated: 2018-01-13. Review status: criteria provided, single submitter. Criteria: ICSL Variant Classification Criteria 13 December 2019. Collection method: clinical testing. Allele origin: germline.
Comment: This variant was observed in the ICSL laboratory as part of a predisposition screen in an ostensibly healthy population. It had not been previously curated by ICSL or reported in the Human Gene Mutation Database (HGMD: prior to June 1st, 2018), and was therefore a candidate for classification through an automated scoring system. Utilizing variant allele frequency, disease prevalence and penetrance estimates, and inheritance mode, an automated score was calculated to assess if this variant is too frequent to cause the disease. Based on the score and internal cut-off values, a variant classified as benign is not then subjected to further curation. The score for this variant resulted in a classification of benign for this disease.

Illumina Laboratory Services, Illumina
Classification: Likely benign for Autosomal dominant nonsyndromic hearing loss 17. Last evaluated: 2018-01-13. Review status: criteria provided, single submitter. Criteria: ICSL Variant Classification Criteria 13 December 2019. Collection method: clinical testing. Allele origin: germline.
Comment: This variant was observed in the ICSL laboratory as part of a predisposition screen in an ostensibly healthy population. It had not been previously curated by ICSL or reported in the Human Gene Mutation Database (HGMD: prior to June 1st, 2018), and was therefore a candidate for classification through an automated scoring system. Utilizing variant allele frequency, disease prevalence and penetrance estimates, and inheritance mode, an automated score was calculated to assess if this variant is too frequent to cause the disease. Based on the score and internal cut-off values, a variant classified as likely benign is not then subjected to further curation. The score for this variant resulted in a classification of likely benign for this disease.

Laboratory for Molecular Medicine, Mass General Brigham Personalized Medicine
Classification: Likely benign. Last evaluated: 2017-07-13. Review status: criteria provided, single submitter. Criteria: LMM Criteria. Collection method: clinical testing. Allele origin: germline. Observed: 1 variant allele.
Comment: p.Ala1959Ala in Exon 41 of MYH9: This variant is not expected to have clinical s ignificance because it does not alter an amino acid residue and is not located w ithin the splice consensus sequence. It has been identified in 0.2% (59/24024) o f African chromosomes by the Genome Aggregation Database (gnomAD.; dbSNP rs144179406).